The following is an entry in ClinVar:

NM_001368894.2(PAX6):c.787_807+102del

Gene: PAX6 (paired box 6; minus strand). Cytogenetic location: 11p13.
Variant type: Deletion.
Coding change: c.787_807+102del on transcript NM_001368894.2 (MANE Select); coding-DNA position 787 through 102 bases into the intron after coding-DNA position 807, 123 bases deleted.
Molecular consequence: splice donor variant.
Genome position (GRCh38, 1-based): chr11:31,793,930-31,794,052, 123 bases deleted. GRCh37 (hg19): chr11:31,815,480-31,815,602.
Other names: c.745_765+102del (NM_001127612.3, NM_001368890.2, NM_001368888.2 and 10 more transcripts); c.586_606+102del (NM_001368921.2, NM_001368923.2, NM_001368926.2 and 4 more transcripts); c.787_807+102del (NM_001258462.3, NM_001310158.2, NM_001258463.2 and 6 more transcripts); c.862_882+102del (NM_001368919.2, NM_001368918.2); c.988_1008+102del (NM_001368910.2); c.337_357+102del (NM_001368909.2, NM_001368904.2, NM_001368905.2 and 11 more transcripts); c.790_810+102del (NM_001368911.2); c.544_564+102del (NM_001368928.2); and 2 more.
Identifiers: ClinVar variation 2126627 (VCV002126627.4), dbSNP rs2495149011, ClinGen allele CA2580082904.

ClinVar aggregate classification (germline): Pathogenic (1 of 4 stars; one submission).

Conditions:
Irido-corneo-trabecular dysgenesis (ASGD5). Also called: ANTERIOR SEGMENT DYSGENESIS 5. Identifiers: Orphanet 708, MedGen C0344559, MONDO:0011414, OMIM 604229, HP:0000659.
Aniridia 1 (AN1). Identifiers: Orphanet 250923, MedGen C0344542, MONDO:0024507, OMIM 106210.

Submission:

Labcorp Genetics (formerly Invitae), Labcorp
Classification: Pathogenic for Aniridia 1; Irido-corneo-trabecular dysgenesis. Last evaluated: 2022-04-15. Review status: criteria provided, single submitter. Criteria: Invitae Variant Classification Sherloc (09022015). Collection method: clinical testing. Allele origin: germline.
Comment: This variant results in the deletion of part of exon 9 (c.745_765+102del) of the PAX6 gene. It is expected to disrupt RNA splicing. Variants that disrupt the donor or acceptor splice site typically lead to a loss of protein function (PMID: 16199547), and loss-of-function variants in PAX6 are known to be pathogenic (PMID: 12634864). This variant is not present in population databases (gnomAD no frequency). This variant has been observed in individual(s) with clinical features of PAX6-related conditions (Invitae). Algorithms developed to predict the effect of sequence changes on RNA splicing suggest that this variant may disrupt the consensus splice site. For these reasons, this variant has been classified as Pathogenic.

Literature cited by the submitters: PubMed 16199547; PubMed 12634864.